The following is an entry in ClinVar:

ClinVar aggregate classification (germline): Uncertain significance (1 of 4 stars; one submission).

Conditions:
Ulnar-mammary syndrome (UMS). Also called: SCHINZEL SYNDROME; Ulnar-mammary syndrome of Pallister; PALLISTER ULNAR-MAMMARY SYNDROME. Identifiers: Orphanet 3138, MedGen C1866994, MONDO:0008411, OMIM 181450.

Submission:

Labcorp Genetics (formerly Invitae), Labcorp
Classification: Uncertain significance for Ulnar-mammary syndrome. Last evaluated: 2023-04-18. Review status: criteria provided, single submitter. Criteria: Invitae Variant Classification Sherloc (09022015). Collection method: clinical testing. Allele origin: germline.
Comment: In summary, the available evidence is currently insufficient to determine the role of this variant in disease. Therefore, it has been classified as a Variant of Uncertain Significance. An algorithm developed to predict the effect of missense changes on protein structure and function (PolyPhen-2) suggests that this variant is likely to be tolerated. This variant has not been reported in the literature in individuals affected with TBX3-related conditions. This variant is not present in population databases (gnomAD no frequency). This sequence change replaces serine, which is neutral and polar, with asparagine, which is neutral and polar, at codon 699 of the TBX3 protein (p.Ser699Asn).

NM_005996.4(TBX3):c.2096G>A (p.Ser699Asn)

Gene: TBX3 (T-box transcription factor 3; minus strand). Cytogenetic location: 12q24.21.
Variant type: single nucleotide variant.
Coding change: c.2096G>A on transcript NM_005996.4 (MANE Select); coding-DNA position 2096, G replaced by A.
Protein change: p.Ser699Asn; replaces serine 699 with asparagine.
Molecular consequence: missense variant.
Genome position (GRCh38, 1-based): chr12:114,671,917, C>T on the plus strand (G>A on the coding strand, the complement: TBX3 is on the minus strand). VCF-style: chr12-114671917-C-T. GRCh37 (hg19) VCF-style: chr12-115109722-C-T.
Other names: c.2156G>A, p.Ser719Asn (NM_016569.4); short protein forms S699N, S719N.
Identifiers: ClinVar variation 2857233 (VCV002857233.3), dbSNP rs1445032845, ClinGen allele CA386867569.